The following is an entry in ClinVar:

ClinVar aggregate classification (germline): Uncertain significance (1 of 4 stars; one submission).

Submission:

Labcorp Genetics (formerly Invitae), Labcorp
Classification: Uncertain significance. Last evaluated: 2023-07-10. Review status: criteria provided, single submitter. Criteria: Invitae Variant Classification Sherloc (09022015). Collection method: clinical testing. Allele origin: germline.
Comment: This sequence change replaces histidine with tyrosine at codon 78 of the RIMS1 protein (p.His78Tyr). The histidine residue is weakly conserved and there is a moderate physicochemical difference between histidine and tyrosine. Information on the frequency of this variant in the gnomAD database is not available, as this variant may be reported differently in the database. This variant has not been reported in the literature in individuals affected with RIMS1-related conditions. ClinVar contains an entry for this variant (Variation ID: 1357237). Experimental studies and prediction algorithms are not available or were not evaluated, and the functional significance of this variant is currently unknown. In summary, the available evidence is currently insufficient to determine the role of this variant in disease. Therefore, it has been classified as a Variant of Uncertain Significance.

NM_014989.7(RIMS1):c.231_232delinsTT (p.His78Tyr)

Gene: RIMS1 (regulating synaptic membrane exocytosis 1; plus strand). Cytogenetic location: 6q13.
Variant type: Indel.
Coding change: c.231_232delinsTT on transcript NM_014989.7 (MANE Select); coding-DNA positions 231 to 232, CC replaced by TT.
Protein change: p.His78Tyr; replaces histidine 78 with tyrosine.
Molecular consequence: missense variant. On other transcripts: intron variant (1).
Genome position (GRCh38, 1-based): chr6:71,969,049-71,969,050, CC replaced by TT. VCF-style: chr6-71969049-CC-TT. GRCh37 (hg19) VCF-style: chr6-72678752-CC-TT.
Other names: c.231_232delinsTT, p.His78Tyr (NM_001350411.1, NM_001350413.1); c.164+81862_164+81863delinsTT (NM_001350412.1); short protein forms H78Y.
Identifiers: ClinVar variation 1357237 (VCV001357237.6), dbSNP rs2151338336, ClinGen allele CA2573141165.